The following is an entry in ClinVar:

ClinVar aggregate classification (germline): Uncertain significance (1 of 4 stars; one submission).

Conditions:
Severe early-onset pulmonary alveolar proteinosis due to MARS deficiency. Also called: PULMONARY ALVEOLAR PROTEINOSIS, REUNION ISLAND; Interstitial lung and liver disease. Identifiers: Orphanet 440427, MedGen C4225400, MONDO:0014206, OMIM 615486.
Charcot-Marie-Tooth disease axonal type 2U. Also called: CHARCOT-MARIE-TOOTH NEUROPATHY, TYPE 2U; CHARCOT-MARIE-TOOTH DISEASE, AXONAL, AUTOSOMAL DOMINANT, TYPE 2U. Identifiers: Orphanet 397735, MedGen C4084821, MONDO:0014566, OMIM 616280.

Allele frequency attached by ClinVar (database versions not stated): gnomAD exomes 0.00001 and 0.00002; ExAC 0.00002; TOPMed 0.00003.
gnomAD v4.1: 3 of 1,613,952 alleles (0.00019%); highest among the groups gnomAD compares: Admixed American, 0.005%; no homozygotes.

Submission:

Labcorp Genetics (formerly Invitae), Labcorp
Classification: Uncertain significance for Charcot-Marie-Tooth disease axonal type 2U; Severe early-onset pulmonary alveolar proteinosis due to MARS deficiency. Last evaluated: 2024-10-31. Review status: criteria provided, single submitter. Criteria: Invitae Variant Classification Sherloc (09022015). Collection method: clinical testing. Allele origin: germline.
Comment: This sequence change replaces asparagine, which is neutral and polar, with histidine, which is basic and polar, at codon 82 of the MARS protein (p.Asn82His). This variant is present in population databases (rs758051760, gnomAD 0.009%). This variant has not been reported in the literature in individuals affected with MARS-related conditions. ClinVar contains an entry for this variant (Variation ID: 580648). An algorithm developed to predict the effect of missense changes on protein structure and function (PolyPhen-2) suggests that this variant is likely to be disruptive. In summary, the available evidence is currently insufficient to determine the role of this variant in disease. Therefore, it has been classified as a Variant of Uncertain Significance.

NM_004990.4(MARS1):c.244A>C (p.Asn82His)

Gene: MARS1 (methionyl-tRNA synthetase 1; plus strand). Cytogenetic location: 12q13.3.
Variant type: single nucleotide variant.
Coding change: c.244A>C on transcript NM_004990.4 (MANE Select); coding-DNA position 244, A replaced by C.
Protein change: p.Asn82His; replaces asparagine 82 with histidine.
Molecular consequence: missense variant.
Genome position (GRCh38, 1-based): chr12:57,489,310, A>C. VCF-style: chr12-57489310-A-C. GRCh37 (hg19) VCF-style: chr12-57883093-A-C.
Other names: short protein forms N82H.
Identifiers: ClinVar variation 580648 (VCV000580648.8), dbSNP rs758051760, ClinGen allele CA6650107.
Genomic context (GRCh38, chr12:57,489,310, plus strand): 5'-GCTCTCTCTCTGGGCAGATATTTTTTTTTGTTATCTGGCTGGGAGCAAGATGACCTCACT[A>C]ACCAGTGGCTGGAATGGGAAGCGACAGAGCTGCAGGTAGGACTAAGGTATGGGGGATGTC-3'
Protein context (NP_004981.2, residues 72-92): LSGWEQDDLT[Asn82His]QWLEWEATEL